The following is an entry in ClinVar:

ClinVar aggregate classification (germline): Uncertain significance (1 of 4 stars; one submission).

Submission:

Labcorp Genetics (formerly Invitae), Labcorp
Classification: Uncertain significance. Last evaluated: 2023-01-15. Review status: criteria provided, single submitter. Criteria: Invitae Variant Classification Sherloc (09022015). Collection method: clinical testing. Allele origin: germline.
Comment: In summary, the available evidence is currently insufficient to determine the role of this variant in disease. Therefore, it has been classified as a Variant of Uncertain Significance. Algorithms developed to predict the effect of sequence changes on RNA splicing suggest that this variant may disrupt the consensus splice site. This variant has not been reported in the literature in individuals affected with CACNA2D4-related conditions. This variant is not present in population databases (gnomAD no frequency). This sequence change falls in intron 22 of the CACNA2D4 gene. It does not directly change the encoded amino acid sequence of the CACNA2D4 protein.

NM_172364.5(CACNA2D4):c.2153-10T>G

Gene: CACNA2D4 (calcium voltage-gated channel auxiliary subunit alpha2delta 4; minus strand). Cytogenetic location: 12p13.33.
Variant type: single nucleotide variant.
Coding change: c.2153-10T>G on transcript NM_172364.5 (MANE Select); 10 bases into the intron before coding-DNA position 2153, T replaced by G.
Molecular consequence: intron variant.
Genome position (GRCh38, 1-based): chr12:1,854,054, A>C on the plus strand (T>G on the coding strand, the complement: CACNA2D4 is on the minus strand). VCF-style: chr12-1854054-A-C. GRCh37 (hg19) VCF-style: chr12-1963220-A-C.
Identifiers: ClinVar variation 2828775 (VCV002828775.3), dbSNP rs2498028507, ClinGen allele CA2739271818.